The following is an entry in ClinVar:

NM_000051.4(ATM):c.4819C>A (p.Pro1607Thr)

Gene: ATM (ATM serine/threonine kinase; plus strand). Cytogenetic location: 11q22.3.
Variant type: single nucleotide variant.
Coding change: c.4819C>A on transcript NM_000051.4 (MANE Select); coding-DNA position 4819, C replaced by A.
Protein change: p.Pro1607Thr; replaces proline 1607 with threonine.
Molecular consequence: missense variant.
Genome position (GRCh38, 1-based): chr11:108,294,969, C>A. VCF-style: chr11-108294969-C-A. GRCh37 (hg19) VCF-style: chr11-108165696-C-A.
Other names: p.Pro1607Thr; c.4819C>A, p.Pro1607Thr (NM_001351834.2); short protein forms P1607T.
Identifiers: ClinVar variation 478980 (VCV000478980.11), dbSNP rs1178015475, ClinGen allele CA382536662.
Genomic context (GRCh38, chr11:108,294,969, plus strand): 5'-TTACATTTTCTCTTTTAGGAAATTAACCATTTTCTCTCAGTAAGTGTTTATGATGCACTT[C>A]CATTGACAAGACTTGAAGGACTAAAGGATCTTCGAAGACAACTGGAACTACATAAAGATC-3'
Protein context (NP_000042.3, residues 1597-1617): FLSVSVYDAL[Pro1607Thr]LTRLEGLKDL

ClinVar aggregate classification (germline): Uncertain significance. Review status: criteria provided, multiple submitters, no conflicts (2 of 4 stars). 3 submissions from 3 submitters: Uncertain significance (3). Last evaluated 2023-11-01.

Conditions:
Hereditary cancer-predisposing syndrome. Also called: Tumor predisposition; Neoplastic Syndromes, Hereditary; Hereditary Cancer Syndrome; Hereditary neoplastic syndrome. Identifiers: Orphanet 140162, MedGen C0027672, MeSH D009386, MONDO:0015356.
Ataxia-telangiectasia syndrome (AT). Also called: Cerebello-oculocutaneous telangiectasia; Immunodeficiency with ataxia telangiectasia; ATAXIA-TELANGIECTASIA, COMPLEMENTATION GROUP A; Ataxia-telangiectasia, complementation group D; AT, COMPLEMENTATION GROUP C; ATAXIA-TELANGIECTASIA, FRESNO VARIANT. Identifiers: Orphanet 100, MedGen C0004135, MONDO:0008840, OMIM 208900.

Allele frequency attached by ClinVar (database versions not stated): TOPMed below 0.00001.

Submissions (3):

Mayo Clinic Laboratories, Mayo Clinic
Classification: Uncertain significance. Last evaluated: 2023-11-01. Review status: criteria provided, single submitter. Criteria: ACMG Guidelines, 2015. Collection method: clinical testing. Allele origin: germline. Observed: 1 variant allele.
Comment: PM2_moderate

Ambry Genetics
Classification: Uncertain significance for Hereditary cancer-predisposing syndrome. Last evaluated: 2022-09-20. Review status: criteria provided, single submitter. Criteria: Ambry Variant Classification Scheme 2023. Collection method: clinical testing. Allele origin: germline.
Comment: The p.P1607T variant (also known as c.4819C>A), located in coding exon 31 of the ATM gene, results from a C to A substitution at nucleotide position 4819. The proline at codon 1607 is replaced by threonine, an amino acid with highly similar properties. This amino acid position is highly conserved in available vertebrate species. In addition, the in silico prediction for this alteration is inconclusive. Since supporting evidence is limited at this time, the clinical significance of this alteration remains unclear.

Labcorp Genetics (formerly Invitae), Labcorp
Classification: Uncertain significance for Ataxia-telangiectasia syndrome. Last evaluated: 2022-03-31. Review status: criteria provided, single submitter. Criteria: Invitae Variant Classification Sherloc (09022015). Collection method: clinical testing. Allele origin: germline.
Comment: Advanced modeling of protein sequence and biophysical properties (such as structural, functional, and spatial information, amino acid conservation, physicochemical variation, residue mobility, and thermodynamic stability) performed at Invitae indicates that this missense variant is not expected to disrupt ATM protein function. ClinVar contains an entry for this variant (Variation ID: 478980). This variant has not been reported in the literature in individuals affected with ATM-related conditions. This variant is not present in population databases (gnomAD no frequency). This sequence change replaces proline, which is neutral and non-polar, with threonine, which is neutral and polar, at codon 1607 of the ATM protein (p.Pro1607Thr). In summary, the available evidence is currently insufficient to determine the role of this variant in disease. Therefore, it has been classified as a Variant of Uncertain Significance.